The following is an entry in ClinVar:

NM_007294.4(BRCA1):c.4337A>C (p.Glu1446Ala)

Gene: BRCA1 (BRCA1 DNA repair associated; minus strand). Cytogenetic location: 17q21.31.
Variant type: single nucleotide variant.
Coding change: c.4337A>C on transcript NM_007294.4 (MANE Select); coding-DNA position 4337, A replaced by C.
Protein change: p.Glu1446Ala; replaces glutamic acid 1446 with alanine.
Molecular consequence: missense variant. On other transcripts: non-coding transcript variant (1).
Genome position (GRCh38, 1-based): chr17:43,082,424, T>G on the plus strand (A>C on the coding strand, the complement: BRCA1 is on the minus strand). VCF-style: chr17-43082424-T-G. GRCh37 (hg19) VCF-style: chr17-41234441-T-G.
Other names: c.4334A>C, p.Glu1445Ala (NM_001407590.1, NM_001407591.1, NM_001407615.1 and 21 more transcripts); c.4337A>C, p.Glu1446Ala (NM_001407593.1, NM_001407594.1, NM_001407596.1 and 23 more transcripts); c.4256A>C, p.Glu1419Ala (NM_001407656.1, NM_001407661.1, NM_001407662.1 and 1 more transcripts); c.4259A>C, p.Glu1420Ala (NM_001407657.1, NM_001407658.1, NM_001407653.1 and 2 more transcripts); c.4253A>C, p.Glu1418Ala (NM_001407659.1, NM_001407660.1); c.4214A>C, p.Glu1405Ala (NM_001407664.1, NM_001407677.1, NM_001407678.1 and 13 more transcripts); c.4211A>C, p.Glu1404Ala (NM_001407675.1, NM_001407676.1, NM_001407681.1 and 12 more transcripts); c.4196A>C, p.Glu1399Ala (NM_001407695.1, NM_001407696.1, NM_001407697.1 and 23 more transcripts); and 51 more; short protein forms E1446A, E343A, E1399A, E1150A, E1358A, E1375A, E1397A, E1403A.
Identifiers: ClinVar variation 440473 (VCV000440473.15), dbSNP rs1273755215, ClinGen allele CA10593050.

ClinVar aggregate classification (germline): Uncertain significance. Review status: criteria provided, multiple submitters, no conflicts (2 of 4 stars). 5 submissions from 5 submitters: Uncertain significance (5). Last evaluated 2025-12-12.

Conditions:
Hereditary cancer-predisposing syndrome. Also called: Neoplastic Syndromes, Hereditary; Hereditary neoplastic syndrome; Tumor predisposition; Hereditary Cancer Syndrome. Identifiers: Orphanet 140162, MedGen C0027672, MeSH D009386, MONDO:0015356.
Hereditary breast ovarian cancer syndrome. Also called: Hereditary breast and ovarian cancer syndrome (HBOC); BRCA1- and BRCA2-Associated Hereditary Breast and Ovarian Cancer; Hereditary breast and/or ovarian cancer syndrome; Hereditary breast and ovarian cancer syndrome; Hereditary breast and ovarian cancer; Breast and ovarian cancer. Identifiers: Orphanet 145, MedGen C0677776, MeSH D061325, MONDO:0003582. Disease mechanism: loss of function.
Breast-ovarian cancer, familial, susceptibility to, 1 (BROVCA1). Also called: BRCA1 Hereditary Breast and Ovarian Cancer; OVARIAN CANCER, SUSCEPTIBILITY TO. Identifiers: Orphanet 145, MedGen C2676676, MONDO:0011450, OMIM 604370. Disease mechanism: loss of function.

Allele frequency attached by ClinVar (database versions not stated): TOPMed 0.00001.

Submissions (5):

Ambry Genetics
Classification: Uncertain significance for Hereditary cancer-predisposing syndrome. Last evaluated: 2025-12-12. Review status: criteria provided, single submitter. Criteria: Ambry Variant Classification Scheme 2023. Collection method: clinical testing. Allele origin: germline.
Comment: The p.E1446A variant (also known as c.4337A>C), located in coding exon 11 of the BRCA1 gene, results from an A to C substitution at nucleotide position 4337. The glutamic acid at codon 1446 is replaced by alanine, an amino acid with dissimilar properties. This amino acid position is not well conserved in available vertebrate species. In addition, this alteration is predicted to be tolerated by in silico analysis. Since supporting evidence is limited at this time, the clinical significance of this alteration remains unclear.

Labcorp Genetics (formerly Invitae), Labcorp
Classification: Uncertain significance for Hereditary breast ovarian cancer syndrome. Last evaluated: 2025-07-02. Review status: criteria provided, single submitter. Criteria: Invitae Variant Classification Sherloc (09022015). Collection method: clinical testing. Allele origin: germline.
Comment: This sequence change replaces glutamic acid, which is acidic and polar, with alanine, which is neutral and non-polar, at codon 1446 of the BRCA1 protein (p.Glu1446Ala). This variant is not present in population databases (gnomAD no frequency). This variant has not been reported in the literature in individuals affected with BRCA1-related conditions. ClinVar contains an entry for this variant (Variation ID: 440473). Invitae Evidence Modeling of protein sequence and biophysical properties (such as structural, functional, and spatial information, amino acid conservation, physicochemical variation, residue mobility, and thermodynamic stability) indicates that this missense variant is expected to disrupt BRCA1 protein function with a positive predictive value of 80%. In summary, the available evidence is currently insufficient to determine the role of this variant in disease. Therefore, it has been classified as a Variant of Uncertain Significance.

Baylor Genetics
Classification: Uncertain significance for Breast-ovarian cancer, familial, susceptibility to, 1. Last evaluated: 2023-12-18. Review status: criteria provided, single submitter. Criteria: ACMG Guidelines, 2015. Collection method: clinical testing. Allele origin: unknown.

All of Us Research Program, National Institutes of Health
Classification: Uncertain significance for Breast-ovarian cancer, familial, susceptibility to, 1. Last evaluated: 2023-06-26. Review status: criteria provided, single submitter. Criteria: ACMG Guidelines, 2015. Collection method: clinical testing. Allele origin: germline. Inheritance: Autosomal dominant inheritance. Observed: 2 variant alleles, 2 heterozygotes.
Comment: This missense variant replaces glutamic acid with alanine at codon 1446 of the BRCA1 protein. Computational prediction suggests that this variant may not impact protein structure and function (internally defined REVEL score threshold <= 0.5, PMID: 27666373). To our knowledge, functional studies have not been reported for this variant. This variant has been detected in a breast cancer case-control meta-analysis in 1/60466 cases and 0/53461 unaffected individuals (PMID: 33471991; Leiden Open Variation Database DB-ID BRCA1_006246). This variant has not been identified in the general population by the Genome Aggregation Database (gnomAD). The available evidence is insufficient to determine the role of this variant in disease conclusively. Therefore, this variant is classified as a Variant of Uncertain Significance.

This study involves interpretation of variants in research participants for the purpose of population health screening. Participant phenotype was not available at the time of variant classification. Additional details can be found in publication PMID: 35346344, PMCID: PMC8962531

Quest Diagnostics Nichols Institute San Juan Capistrano
Classification: Uncertain significance. Last evaluated: 2020-12-02. Review status: criteria provided, single submitter. Criteria: Quest Diagnostics criteria. Collection method: clinical testing. Allele origin: unknown.

Literature cited by the submitters: PubMed 33471991 (cited by All of Us Research Program, National Institutes of Health).